The following is an entry in ClinVar:

ClinVar aggregate classification (germline): Uncertain significance. Review status: criteria provided, multiple submitters, no conflicts (2 of 4 stars). 5 submissions from 5 submitters: Uncertain significance (5). Last evaluated 2026-01-28.

Conditions:
Cardiovascular phenotype. Identifiers: MedGen CN230736.
Osteogenesis imperfecta type I (OI1). Also called: Osteogenesis imperfecta type 1; OI, TYPE I; OSTEOGENESIS IMPERFECTA TARDA; OSTEOGENESIS IMPERFECTA WITH BLUE SCLERAE; Lobstein disease; Classic Non-deforming Osteogenesis Imperfecta with Blue Sclerae. Identifiers: Orphanet 216796, Orphanet 666, MedGen C0023931, MONDO:0008146, OMIM 166200. Disease mechanism: loss of function.
Ehlers-Danlos syndrome, classic type, 1 (EDSCL1). Also called: Ehlers-Danlos Syndrome, Classic Type, COL5A1-Related; EDS I; Ehlers-Danlos syndrome, type 1; EHLERS-DANLOS SYNDROME, GRAVIS TYPE; EHLERS-DANLOS SYNDROME, SEVERE CLASSIC TYPE. Identifiers: MedGen C0268335, MONDO:0019567, OMIM 130000.

Allele frequency attached by ClinVar (database versions not stated): gnomAD exomes 0.00001; TOPMed below 0.00001.
gnomAD v4.1: 40 of 1,613,404 alleles (0.0025%); highest among the groups gnomAD compares: Non-Finnish European, 0.0031%; no homozygotes.

Submissions (5):

GeneDx
Classification: Uncertain significance. Last evaluated: 2026-01-28. Review status: criteria provided, single submitter. Criteria: GeneDx Variant Classification Process June 2021. Collection method: clinical testing. Allele origin: germline.
Comment: Not observed at significant frequency in large population cohorts (gnomAD); In silico analysis supports that this missense variant has a deleterious effect on protein structure/function; Has not been previously published as pathogenic or benign to our knowledge; Occurs in the triple helical domain at the Y position in the canonical Gly-X-Y repeat; although this variant may have an effect on normal protein folding and function, missense substitution at the Y position is not a common mechanism of disease (HGMD)

Labcorp Genetics (formerly Invitae), Labcorp
Classification: Uncertain significance for Osteogenesis imperfecta type I; Ehlers-Danlos syndrome, classic type, 1. Last evaluated: 2025-09-03. Review status: criteria provided, single submitter. Criteria: Invitae Variant Classification Sherloc (09022015). Collection method: clinical testing. Allele origin: germline.
Comment: This sequence change replaces methionine, which is neutral and non-polar, with lysine, which is basic and polar, at codon 96 of the COL1A2 protein (p.Met96Lys). This variant is present in population databases (no rsID available, gnomAD 0.003%). This missense change has been observed in individual(s) with clinical features of COL1A2-related conditions (PMID: 21520333). ClinVar contains an entry for this variant (Variation ID: 964625). Invitae Evidence Modeling of protein sequence and biophysical properties (such as structural, functional, and spatial information, amino acid conservation, physicochemical variation, residue mobility, and thermodynamic stability) indicates that this missense variant is not expected to disrupt COL1A2 protein function with a negative predictive value of 95%. In summary, the available evidence is currently insufficient to determine the role of this variant in disease. Therefore, it has been classified as a Variant of Uncertain Significance.

Ambry Genetics
Classification: Uncertain significance for Cardiovascular phenotype. Last evaluated: 2024-08-24. Review status: criteria provided, single submitter. Criteria: Ambry Variant Classification Scheme 2023. Collection method: clinical testing. Allele origin: germline.
Comment: The p.M96K variant (also known as c.287T>A), located in coding exon 7 of the COL1A2 gene, results from a T to A substitution at nucleotide position 287. The methionine at codon 96 is replaced by lysine, an amino acid with similar properties. This amino acid position is well conserved in available vertebrate species. In addition, the in silico prediction for this alteration is inconclusive. Based on the available evidence, the clinical significance of this variant remains unclear.

Blueprint Genetics
Classification: Uncertain significance. Last evaluated: 2020-04-07. Review status: criteria provided, single submitter. Criteria: ACMG Guidelines, 2015. Collection method: clinical testing. Allele origin: germline.

Mayo Clinic Laboratories, Mayo Clinic
Classification: Uncertain significance. Last evaluated: 2019-09-16. Review status: criteria provided, single submitter. Criteria: ACMG Guidelines, 2015. Collection method: clinical testing. Allele origin: germline. Observed: 1 variant allele.

Literature cited by the submitters: PubMed 21520333 (cited by Labcorp Genetics (formerly Invitae), Labcorp).

NM_000089.4(COL1A2):c.287T>A (p.Met96Lys)

Gene: COL1A2 (collagen type I alpha 2 chain; plus strand). Cytogenetic location: 7q21.3.
Variant type: single nucleotide variant.
Coding change: c.287T>A on transcript NM_000089.4 (MANE Select); coding-DNA position 287, T replaced by A.
Protein change: p.Met96Lys; replaces methionine 96 with lysine.
Molecular consequence: missense variant.
Genome position (GRCh38, 1-based): chr7:94,404,563, T>A. VCF-style: chr7-94404563-T-A. GRCh37 (hg19) VCF-style: chr7-94033875-T-A.
Other names: short protein forms M96K.
Identifiers: ClinVar variation 964625 (VCV000964625.19), dbSNP rs1026230498, ClinGen allele CA162914040.